The following is an entry in ClinVar:

NM_003982.4(SLC7A7):c.1170G>C (p.Trp390Cys)

Gene: SLC7A7 (solute carrier family 7 member 7; minus strand). Cytogenetic location: 14q11.2.
Variant type: single nucleotide variant.
Coding change: c.1170G>C on transcript NM_003982.4 (MANE Select); coding-DNA position 1170, G replaced by C.
Protein change: p.Trp390Cys; replaces tryptophan 390 with cysteine.
Molecular consequence: missense variant.
Genome position (GRCh38, 1-based): chr14:22,774,429, C>G on the plus strand (G>C on the coding strand, the complement: SLC7A7 is on the minus strand). VCF-style: chr14-22774429-C-G. GRCh37 (hg19) VCF-style: chr14-23243638-C-G.
Other names: c.1170G>C, p.Trp390Cys (NM_001126105.3, NM_001126106.4); short protein forms W390C.
Identifiers: ClinVar variation 312814 (VCV000312814.13), dbSNP rs370847983, ClinGen allele CA7104467.

ClinVar aggregate classification (germline): Uncertain significance. Review status: criteria provided, multiple submitters, no conflicts (2 of 4 stars). 7 submissions from 7 submitters: Uncertain significance (6). 1 of the submissions does not count toward it. Last evaluated 2025-07-30.

Conditions:
Inborn genetic diseases. Identifiers: MedGen C0950123, MeSH D030342.
Lysinuric protein intolerance (LPI). Identifiers: Orphanet 470, MedGen C0268647, MONDO:0009109, OMIM 222700.

Allele frequency attached by ClinVar (database versions not stated): gnomAD exomes below 0.00001 and 0.00002; gnomAD 0.00003 and 0.00006; ExAC 0.00004; TOPMed 0.00004; ESP Exome Variant Server 0.00015.
gnomAD v4.1: 18 of 1,613,998 alleles (0.0011%); highest among the groups gnomAD compares: African/African-American, 0.0093%; no homozygotes.

Submissions (7):

Women's Health and Genetics/Laboratory Corporation of America, LabCorp
Classification: Uncertain significance. Last evaluated: 2025-07-30. Review status: criteria provided, single submitter. Criteria: LabCorp Variant Classification Summary - May 2015. Collection method: clinical testing. Allele origin: germline.
Comment: Variant summary: SLC7A7 c.1170G>C (p.Trp390Cys) results in a non-conservative amino acid change in the encoded protein sequence. Algorithms developed to predict the effect of missense changes on protein structure and function all suggest that this variant is likely to be disruptive. The variant allele was found at a frequency of 2.4e-05 in 251422 control chromosomes. The available data on variant occurrences in the general population are insufficient to allow any conclusion about variant significance. To our knowledge, no occurrence of c.1170G>C in individuals affected with Lysinuric Protein Intolerance and no experimental evidence demonstrating its impact on protein function have been reported. ClinVar contains an entry for this variant (Variation ID: 312814). Based on the evidence outlined above, the variant was classified as uncertain significance.

Ambry Genetics
Classification: Uncertain significance for Inborn genetic diseases. Last evaluated: 2024-05-30. Review status: criteria provided, single submitter. Criteria: Ambry Variant Classification Scheme 2023. Collection method: clinical testing. Allele origin: germline.

Fulgent Genetics
Classification: Uncertain significance for Lysinuric protein intolerance. Last evaluated: 2024-03-26. Review status: criteria provided, single submitter. Criteria: ACMG Guidelines, 2015. Collection method: clinical testing. Allele origin: germline.

Labcorp Genetics (formerly Invitae), Labcorp
Classification: Uncertain significance for Lysinuric protein intolerance. Last evaluated: 2022-06-25. Review status: criteria provided, single submitter. Criteria: Invitae Variant Classification Sherloc (09022015). Collection method: clinical testing. Allele origin: germline.
Comment: This sequence change replaces tryptophan, which is neutral and slightly polar, with cysteine, which is neutral and slightly polar, at codon 390 of the SLC7A7 protein (p.Trp390Cys). The frequency data for this variant in the population databases is considered unreliable, as metrics indicate poor data quality at this position in the gnomAD database. This variant has not been reported in the literature in individuals affected with SLC7A7-related conditions. ClinVar contains an entry for this variant (Variation ID: 312814). Algorithms developed to predict the effect of missense changes on protein structure and function are either unavailable or do not agree on the potential impact of this missense change (SIFT: "Tolerated"; PolyPhen-2: "Probably Damaging"; Align-GVGD: "Class C0"). In summary, the available evidence is currently insufficient to determine the role of this variant in disease. Therefore, it has been classified as a Variant of Uncertain Significance.

Genome-Nilou Lab
Classification: Uncertain significance for Lysinuric protein intolerance. Last evaluated: 2021-11-07. Review status: criteria provided, single submitter. Criteria: ACMG Guidelines, 2015. Collection method: clinical testing. Allele origin: germline. Affected: no.

Illumina Laboratory Services, Illumina
Classification: Uncertain significance for Lysinuric protein intolerance. Last evaluated: 2018-01-12. Review status: criteria provided, single submitter. Criteria: ICSL Variant Classification Criteria 13 December 2019. Collection method: clinical testing. Allele origin: germline.

Natera, Inc.
Classification: Uncertain significance for Lysinuric protein intolerance. Last evaluated: 2020-09-16. Review status: no assertion criteria provided. Collection method: clinical testing. Allele origin: germline. Not counted in ClinVar's aggregate classification.